The following is an entry in ClinVar:

NM_000038.6(APC):c.1696G>T (p.Val566Phe)

Gene: APC (APC regulator of Wnt signaling pathway; plus strand). Cytogenetic location: 5q22.2.
Variant type: single nucleotide variant.
Coding change: c.1696G>T on transcript NM_000038.6 (MANE Select); coding-DNA position 1696, G replaced by T.
Protein change: p.Val566Phe; replaces valine 566 with phenylalanine.
Molecular consequence: missense variant.
Genome position (GRCh38, 1-based): chr5:112,828,925, G>T. VCF-style: chr5-112828925-G-T. GRCh37 (hg19) VCF-style: chr5-112164622-G-T.
Other names: c.1696G>T, p.Val566Phe (NM_001127510.3, NM_001354895.2); c.1642G>T, p.Val548Phe (NM_001127511.3); c.1750G>T, p.Val584Phe (NM_001354896.2); c.1726G>T, p.Val576Phe (NM_001354897.2); c.1621G>T, p.Val541Phe (NM_001354898.2); c.1612G>T, p.Val538Phe (NM_001354899.2); c.1573G>T, p.Val525Phe (NM_001354900.2); c.1519G>T, p.Val507Phe (NM_001354901.2); and 5 more; short protein forms V465F, V475F, V507F, V538F, V566F, V283F, V406F, V525F.
Identifiers: ClinVar variation 924806 (VCV000924806.9), dbSNP rs1764020231, ClinGen allele CA16025015.

ClinVar aggregate classification (germline): Uncertain significance. Review status: criteria provided, multiple submitters, no conflicts (2 of 4 stars). 3 submissions from 3 submitters: Uncertain significance (3). Last evaluated 2025-01-13.

Conditions:
Hereditary cancer-predisposing syndrome. Also called: Neoplastic Syndromes, Hereditary; Tumor predisposition; Hereditary Cancer Syndrome; Hereditary neoplastic syndrome. Identifiers: Orphanet 140162, MedGen C0027672, MeSH D009386, MONDO:0015356.
Familial adenomatous polyposis 1 (FAP1). Also called: FAMILIAL ADENOMATOUS POLYPOSIS 1, ATTENUATED; POLYPOSIS, ADENOMATOUS INTESTINAL. Identifiers: MedGen C2713442, MONDO:0021056, OMIM 175100. Disease mechanism: loss of function.

gnomAD v4.1: 1 of 1,613,950 alleles (0.000062%); highest among the groups gnomAD compares: South Asian, 0.0011%; no homozygotes.

Submissions (3):

Color Diagnostics, LLC DBA Color Health
Classification: Uncertain significance for Hereditary cancer-predisposing syndrome. Last evaluated: 2025-01-13. Review status: criteria provided, single submitter. Criteria: ACMG Guidelines, 2015. Collection method: clinical testing. Allele origin: germline.
Comment: This missense variant replaces valine with phenylalanine at codon 566 of the APC protein. Computational prediction suggests that this variant may have deleterious impact on protein structure and function (internally defined REVEL score threshold >= 0.7, PMID: 27666373). To our knowledge, functional studies have not been reported for this variant. This variant has not been reported in individuals affected with APC-related disorders in the literature. This variant has not been identified in the general population by the Genome Aggregation Database (gnomAD). The available evidence is insufficient to determine the role of this variant in disease conclusively. Therefore, this variant is classified as a Variant of Uncertain Significance.

Labcorp Genetics (formerly Invitae), Labcorp
Classification: Uncertain significance for Familial adenomatous polyposis 1. Last evaluated: 2024-01-21. Review status: criteria provided, single submitter. Criteria: Invitae Variant Classification Sherloc (09022015). Collection method: clinical testing. Allele origin: germline.
Comment: This sequence change replaces valine, which is neutral and non-polar, with phenylalanine, which is neutral and non-polar, at codon 566 of the APC protein (p.Val566Phe). This variant is not present in population databases (gnomAD no frequency). This variant has not been reported in the literature in individuals affected with APC-related conditions. ClinVar contains an entry for this variant (Variation ID: 924806). Advanced modeling of protein sequence and biophysical properties (such as structural, functional, and spatial information, amino acid conservation, physicochemical variation, residue mobility, and thermodynamic stability) performed at Invitae indicates that this missense variant is not expected to disrupt APC protein function with a negative predictive value of 95%. In summary, the available evidence is currently insufficient to determine the role of this variant in disease. Therefore, it has been classified as a Variant of Uncertain Significance.

Ambry Genetics
Classification: Uncertain significance for Hereditary cancer-predisposing syndrome. Last evaluated: 2023-05-29. Review status: criteria provided, single submitter. Criteria: Ambry Variant Classification Scheme 2023. Collection method: clinical testing. Allele origin: germline.
Comment: The p.V566F variant (also known as c.1696G>T), located in coding exon 13 of the APC gene, results from a G to T substitution at nucleotide position 1696. The valine at codon 566 is replaced by phenylalanine, an amino acid with highly similar properties. This amino acid position is conserved. In addition, in silico predictors for this gene do not accurately predict pathogenicity. Since supporting evidence is limited at this time, the clinical significance of this alteration remains unclear.